The following is an entry in ClinVar:

NM_000059.4(BRCA2):c.7956_7957del (p.Leu2653fs)

Gene: BRCA2 (BRCA2 DNA repair associated; plus strand). Cytogenetic location: 13q13.1.
Variant type: Deletion.
Coding change: c.7956_7957del on transcript NM_000059.4 (MANE Select); coding-DNA positions 7956 to 7957, 2 bases deleted (GC; older notation c.7956_7957delGC).
Protein change: p.Leu2653fs; shifts the reading frame from leucine 2653.
Molecular consequence: frameshift variant. On other transcripts: non-coding transcript variant (1).
Genome position (GRCh38, 1-based): chr13:32,362,673-32,362,674, GC deleted. VCF-style (leftmost placement, unchanged base first): chr13-32362672-TGC-T. GRCh37 (hg19) VCF-style: chr13-32936809-TGC-T.
Other names: c.7956_7957del (NM_000059.3); c.7956_7957delGC, p.Leu2653Serfs (NM_000059.3); c.7860_7861del, p.Leu2621fs (NM_001406719.1); c.7956_7957del, p.Leu2653fs (NM_001406720.1); c.3024_3025del, p.Leu1009fs (NM_001406721.1); c.1539_1540del, p.Leu514fs (NM_001406722.1); short protein forms L2621fs, L1009fs, L2653fs, L514fs.
Identifiers: ClinVar variation 3148648 (VCV003148648.4), dbSNP rs2548545616, ClinGen allele CA2825002146.

ClinVar aggregate classification (germline): Pathogenic. Review status: criteria provided, multiple submitters, no conflicts (2 of 4 stars). 3 submissions from 3 submitters: Pathogenic (3). Last evaluated 2024-08-02.

Conditions:
Breast-ovarian cancer, familial, susceptibility to, 2 (BROVCA2). Also called: BRCA2 Hereditary Breast and Ovarian Cancer. Identifiers: Orphanet 145, MedGen C2675520, MONDO:0012933, OMIM 612555. Disease mechanism: loss of function.
Hereditary breast ovarian cancer syndrome. Also called: Hereditary breast and ovarian cancer; Breast and ovarian cancer; Hereditary breast and/or ovarian cancer syndrome; BRCA1- and BRCA2-Associated Hereditary Breast and Ovarian Cancer; Hereditary breast and ovarian cancer syndrome; Hereditary breast and ovarian cancer syndrome (HBOC). Identifiers: Orphanet 145, MedGen C0677776, MeSH D061325, MONDO:0003582. Disease mechanism: loss of function.

Submissions (3):

Quest Diagnostics Nichols Institute San Juan Capistrano
Classification: Pathogenic. Last evaluated: 2024-08-02. Review status: criteria provided, single submitter. Criteria: Quest Diagnostics criteria. Collection method: clinical testing. Allele origin: unknown.
Comment: The BRCA2 c.7956_7957del (p.Leu2653Serfs*8) variant alters the translational reading frame of the BRCA2 mRNA and causes the premature termination of BRCA2 protein synthesis. This variant has not been reported in individuals with BRCA2-related conditions in the published literature. This variant has not been reported in large, multi-ethnic general populations (Genome Aggregation Database). Based on the available information, this variant is classified as pathogenic.

Labcorp Genetics (formerly Invitae), Labcorp
Classification: Pathogenic for Hereditary breast ovarian cancer syndrome. Last evaluated: 2024-02-22. Review status: criteria provided, single submitter. Criteria: Invitae Variant Classification Sherloc (09022015). Collection method: clinical testing. Allele origin: germline.
Comment: This sequence change creates a premature translational stop signal (p.Leu2653Serfs*8) in the BRCA2 gene. It is expected to result in an absent or disrupted protein product. Loss-of-function variants in BRCA2 are known to be pathogenic (PMID: 20104584). This variant is not present in population databases (gnomAD no frequency). This variant has not been reported in the literature in individuals affected with BRCA2-related conditions. For these reasons, this variant has been classified as Pathogenic.

Myriad Genetics, Inc.
Classification: Pathogenic for Breast-ovarian cancer, familial, susceptibility to, 2. Last evaluated: 2023-12-12. Review status: criteria provided, single submitter. Criteria: Myriad Autosomal Dominant, Autosomal Recessive and X-Linked Classification Criteria (2023). Collection method: clinical testing. Allele origin: unknown.
Comment: This variant is considered pathogenic. This variant creates a frameshift predicted to result in premature protein truncation.

Literature cited by the submitters: PubMed 20104584 (cited by Labcorp Genetics (formerly Invitae), Labcorp).